The following is an entry in ClinVar:

ClinVar aggregate classification (germline): Uncertain significance (1 of 4 stars; one submission).

Submission:

Ambry Genetics
Classification: Uncertain significance. Last evaluated: 2025-03-24. Review status: criteria provided, single submitter. Criteria: Ambry Variant Classification Scheme 2023. Collection method: clinical testing. Allele origin: germline.
Comment: The c.474C>T variant (also known as p.S158S), located in coding exon 5 of the RAD51B gene, results from a C to T substitution at nucleotide position 474. This nucleotide substitution does not change the serine at codon 158. This nucleotide position is not well conserved in available vertebrate species. In silico splice site analysis for this alteration is inconclusive. The evidence for this gene-disease relationship is limited; therefore, the clinical significance of this alteration is unclear.

NM_133510.4(RAD51B):c.474C>T (p.Ser158=)

Gene: RAD51B (RAD51 paralog B; plus strand). Cytogenetic location: 14q24.1.
Variant type: single nucleotide variant.
Coding change: c.474C>T on transcript NM_133510.4 (MANE Select); coding-DNA position 474, C replaced by T.
Protein change: p.Ser158=; no amino-acid change (serine 158 retained).
Molecular consequence: synonymous variant.
Genome position (GRCh38, 1-based): chr14:67,885,890, C>T. VCF-style: chr14-67885890-C-T. GRCh37 (hg19) VCF-style: chr14-68352607-C-T.
Other names: c.474C>T, p.Ser158= (NM_001321809.2, NM_001321810.2, NM_001321812.1 and 6 more transcripts); c.360C>T, p.Ser120= (NM_001321815.1); c.117C>T, p.Ser39= (NM_001321817.2).
Identifiers: ClinVar variation 3942255 (VCV003942255.1).